The following is an entry in ClinVar:

ClinVar aggregate classification (germline): Likely benign (1 of 4 stars; one submission).

Allele frequency attached by ClinVar (database versions not stated): gnomAD exomes 0.00002; TOPMed 0.00002; ExAC 0.00003; gnomAD 0.00003.
gnomAD v4.1: 40 of 1,614,068 alleles (0.0025%); highest among the groups gnomAD compares: Non-Finnish European, 0.0032%; no homozygotes.

Submission:

CeGaT Center for Human Genetics Tuebingen
Classification: Likely benign. Last evaluated: 2022-04-01. Review status: criteria provided, single submitter. Criteria: CeGaT Center For Human Genetics Tuebingen Variant Classification Criteria Version 2. Collection method: clinical testing. Allele origin: germline. Affected: yes. Observed: 1 variant allele.
Comment: AP1B1: BP4, BP7

NM_001127.4(AP1B1):c.687T>C (p.Tyr229=)

Gene: AP1B1 (adaptor related protein complex 1 subunit beta 1; minus strand). Cytogenetic location: 22q12.2.
Variant type: single nucleotide variant.
Coding change: c.687T>C on transcript NM_001127.4 (MANE Select); coding-DNA position 687, T replaced by C.
Protein change: p.Tyr229=; no amino-acid change (tyrosine 229 retained).
Molecular consequence: synonymous variant.
Genome position (GRCh38, 1-based): chr22:29,356,455, A>G on the plus strand (T>C on the coding strand, the complement: AP1B1 is on the minus strand). VCF-style: chr22-29356455-A-G. GRCh37 (hg19) VCF-style: chr22-29752444-A-G.
Other names: c.687T>C, p.Tyr229= (NM_001166019.2, NM_001378562.1, NM_001378563.1 and 2 more transcripts); c.516T>C, p.Tyr172= (NM_001378564.1, NM_001378565.1).
Identifiers: ClinVar variation 2653044 (VCV002653044.24), dbSNP rs201826297, ClinGen allele CA10173415.
Genomic context (GRCh38, chr22:29,356,455, plus strand): 5'-TGGGCTGGCAAGCAACGGGCAGCCCGCTCACCTCTGGGCCTCGCGGTCGTCCTTGGGCAT[A>G]TAGTTGGCGAGGCAGTCCAGGATGAAGATCTGGCCCCACTCGGTGCACTCATTGAGGGCT-3'
Protein context (NP_001118.3, residues 219-239): QIFILDCLAN[Tyr229=]MPKDDREAQS